The following is an entry in ClinVar:

NM_004655.4(AXIN2):c.2479G>A (p.Val827Met)

Gene: AXIN2 (axin 2; minus strand). Cytogenetic location: 17q24.1.
Variant type: single nucleotide variant.
Coding change: c.2479G>A on transcript NM_004655.4 (MANE Select); coding-DNA position 2479, G replaced by A.
Protein change: p.Val827Met; replaces valine 827 with methionine.
Molecular consequence: missense variant.
Genome position (GRCh38, 1-based): chr17:65,530,029, C>T on the plus strand (G>A on the coding strand, the complement: AXIN2 is on the minus strand). VCF-style: chr17-65530029-C-T. GRCh37 (hg19) VCF-style: chr17-63526147-C-T.
Other names: c.2284G>A, p.Val762Met (NM_001363813.1); short protein forms V762M, V827M.
Identifiers: ClinVar variation 821330 (VCV000821330.7), dbSNP rs144788470, ClinGen allele CA8718280.
Genomic context (GRCh38, chr17:65,530,029, plus strand): 5'-CCAGGGCTCAATCGATCCGCTCCACTTTGCCCAGAATCCGGCCTTCATACATCGGGAGCA[C>T]CGTCTCATCCTCCCAGATCTCCTCAAACACCGCTCCACAGGCAAACTCATCGCTTGCTTT-3'
Protein context (NP_004646.3, residues 817-837): VFEEIWEDET[Val827Met]LPMYEGRILG

ClinVar aggregate classification (germline): Conflicting classifications of pathogenicity. Review status: criteria provided, conflicting classifications (1 of 4 stars). 3 submissions from 3 submitters: Uncertain significance (2); Likely benign (1). Last evaluated 2025-07-25.

Conditions:
Colorectal cancer. Also called: Colorectal cancer, somatic; Malignant Colorectal Neoplasm. Identifiers: MedGen C0346629, MONDO:0005575, OMIM 114500.
Hereditary cancer-predisposing syndrome. Also called: Neoplastic Syndromes, Hereditary; Tumor predisposition; Hereditary Cancer Syndrome; Hereditary neoplastic syndrome. Identifiers: Orphanet 140162, MedGen C0027672, MeSH D009386, MONDO:0015356.
Oligodontia-cancer predisposition syndrome. Also called: TOOTH AGENESIS-COLORECTAL CANCER SYNDROME. Identifiers: Orphanet 300576, MedGen C1837750, MONDO:0012075, OMIM 608615. Disease mechanism: loss of function.

Allele frequency attached by ClinVar (database versions not stated): gnomAD exomes below 0.00001; ExAC 0.00001; ESP Exome Variant Server 0.00008.

Submissions (3):

Ambry Genetics
Classification: Likely benign for Hereditary cancer-predisposing syndrome. Last evaluated: 2025-07-25. Review status: criteria provided, single submitter. Criteria: Ambry Variant Classification Scheme 2023. Collection method: clinical testing. Allele origin: germline.

Baylor Genetics
Classification: Uncertain significance for Colorectal cancer. Last evaluated: 2024-02-02. Review status: criteria provided, single submitter. Criteria: ACMG Guidelines, 2015. Collection method: clinical testing. Allele origin: unknown.

Labcorp Genetics (formerly Invitae), Labcorp
Classification: Uncertain significance for Oligodontia-cancer predisposition syndrome. Last evaluated: 2022-11-16. Review status: criteria provided, single submitter. Criteria: Invitae Variant Classification Sherloc (09022015). Collection method: clinical testing. Allele origin: germline.
Comment: In summary, the available evidence is currently insufficient to determine the role of this variant in disease. Therefore, it has been classified as a Variant of Uncertain Significance. Advanced modeling of protein sequence and biophysical properties (such as structural, functional, and spatial information, amino acid conservation, physicochemical variation, residue mobility, and thermodynamic stability) performed at Invitae indicates that this missense variant is not expected to disrupt AXIN2 protein function. ClinVar contains an entry for this variant (Variation ID: 821330). This variant has not been reported in the literature in individuals affected with AXIN2-related conditions. This variant is present in population databases (rs144788470, gnomAD 0.0009%). This sequence change replaces valine, which is neutral and non-polar, with methionine, which is neutral and non-polar, at codon 827 of the AXIN2 protein (p.Val827Met).